The following is an entry in ClinVar:

ClinVar aggregate classification (germline): Uncertain significance (1 of 4 stars; one submission).

Conditions:
Tuberous sclerosis 2 (TSC2). Identifiers: Orphanet 805, MedGen C1860707, MONDO:0013199, OMIM 613254.

Submission:

Labcorp Genetics (formerly Invitae), Labcorp
Classification: Uncertain significance for Tuberous sclerosis 2. Last evaluated: 2025-04-20. Review status: criteria provided, single submitter. Criteria: Invitae Variant Classification Sherloc (09022015). Collection method: clinical testing. Allele origin: germline.
Comment: This sequence change falls in intron 40 of the TSC2 gene. It does not directly change the encoded amino acid sequence of the TSC2 protein. This variant is not present in population databases (gnomAD no frequency). This variant has not been reported in the literature in individuals affected with TSC2-related conditions. Experimental studies and prediction algorithms are not available or were not evaluated, and the effect of this variant on mRNA splicing is currently unknown. In summary, the available evidence is currently insufficient to determine the role of this variant in disease. Therefore, it has been classified as a Variant of Uncertain Significance.

NM_000548.5(TSC2):c.5161-11_5161-10insCCGTCCCCAGATGCCACCTGATAGTGAGCTCACCCCCTGCCT

Gene: TSC2 (TSC complex subunit 2; plus strand). Cytogenetic location: 16p13.3.
Variant type: Insertion.
Coding change: c.5161-11_5161-10insCCGTCCCCAGATGCCACCTGATAGTGAGCTCACCCCCTGCCT on transcript NM_000548.5 (MANE Select); 11 bases into the intron before coding-DNA position 5161 through 10 bases into the intron before coding-DNA position 5161, CCGTCCCCAGATGCCACCTGATAGTGAGCTCACCCCCTGCCT inserted.
Molecular consequence: intron variant.
Genome position: GRCh38: chr16:2,088,216-2,088,217. GRCh37 (hg19): chr16:2,138,217-2,138,218.
Other names: c.3619-11_3619-10insCCGTCCCCAGATGCCACCTGATAGTGAGCTCACCCCCTGCCT (NM_001406693.1, NM_001406692.1, NM_001406694.1); c.5053-11_5053-10insCCGTCCCCAGATGCCACCTGATAGTGAGCTCACCCCCTGCCT (NM_001406667.1); c.5050-11_5050-10insCCGTCCCCAGATGCCACCTGATAGTGAGCTCACCCCCTGCCT (NM_001406668.1); c.4561-11_4561-10insCCGTCCCCAGATGCCACCTGATAGTGAGCTCACCCCCTGCCT (NM_001406680.1); c.4492-11_4492-10insCCGTCCCCAGATGCCACCTGATAGTGAGCTCACCCCCTGCCT (NM_001406683.1, NM_001406682.1); c.4360-11_4360-10insCCGTCCCCAGATGCCACCTGATAGTGAGCTCACCCCCTGCCT (NM_001406687.1, NM_001406688.1); c.3748-11_3748-10insCCGTCCCCAGATGCCACCTGATAGTGAGCTCACCCCCTGCCT (NM_001406689.1); c.3688-11_3688-10insCCGTCCCCAGATGCCACCTGATAGTGAGCTCACCCCCTGCCT (NM_001406690.1); and 27 more.
Identifiers: ClinVar variation 4806245 (VCV004806245.1).